The following is an entry in ClinVar:

ClinVar aggregate classification (germline): Uncertain significance (1 of 4 stars; one submission).

Conditions:
Metachromatic leukodystrophy (MLD). Also called: CEREBROSIDE SULFATASE DEFICIENCY; ARSA DEFICIENCY; METACHROMATIC LEUKOENCEPHALOPATHY; SULFATIDE LIPIDOSIS; Cerebral sclerosis diffuse metachromatic form; Arylsulfatase A Deficiency. Identifiers: Orphanet 512, MedGen C0023522, MONDO:0018868, OMIM 250100.

Submission:

Labcorp Genetics (formerly Invitae), Labcorp
Classification: Uncertain significance for Metachromatic leukodystrophy. Last evaluated: 2023-12-28. Review status: criteria provided, single submitter. Criteria: Invitae Variant Classification Sherloc (09022015). Collection method: clinical testing. Allele origin: germline.
Comment: This sequence change replaces valine, which is neutral and non-polar, with alanine, which is neutral and non-polar, at codon 109 of the ARSA protein (p.Val109Ala). This variant is not present in population databases (gnomAD no frequency). This variant has not been reported in the literature in individuals affected with ARSA-related conditions. Advanced modeling of protein sequence and biophysical properties (such as structural, functional, and spatial information, amino acid conservation, physicochemical variation, residue mobility, and thermodynamic stability) performed at Invitae indicates that this missense variant is expected to disrupt ARSA protein function with a positive predictive value of 95%. In summary, the available evidence is currently insufficient to determine the role of this variant in disease. Therefore, it has been classified as a Variant of Uncertain Significance.

NM_000487.6(ARSA):c.326T>C (p.Val109Ala)

Gene: ARSA (arylsulfatase A; minus strand). Cytogenetic location: 22q13.33.
Variant type: single nucleotide variant.
Coding change: c.326T>C on transcript NM_000487.6 (MANE Select); coding-DNA position 326, T replaced by C.
Protein change: p.Val109Ala; replaces valine 109 with alanine.
Molecular consequence: missense variant.
Genome position (GRCh38, 1-based): chr22:50,627,305, A>G on the plus strand (T>C on the coding strand, the complement: ARSA is on the minus strand). VCF-style: chr22-50627305-A-G. GRCh37 (hg19) VCF-style: chr22-51065733-A-G.
Other names: c.326T>C, p.Val109Ala (NM_001085425.3, NM_001085426.3, NM_001085427.3); c.68T>C, p.Val23Ala (NM_001085428.3, NM_001362782.2); short protein forms V109A, V23A.
Identifiers: ClinVar variation 2772411 (VCV002772411.3), dbSNP rs2518334282, ClinGen allele CA412181180.